The following is an entry in ClinVar:

NM_182961.4(SYNE1):c.2367G>C (p.Met789Ile)

Gene: SYNE1 (spectrin repeat containing nuclear envelope protein 1; minus strand). Cytogenetic location: 6q25.2.
Variant type: single nucleotide variant.
Coding change: c.2367G>C on transcript NM_182961.4 (MANE Select); coding-DNA position 2367, G replaced by C.
Protein change: p.Met789Ile; replaces methionine 789 with isoleucine.
Molecular consequence: missense variant.
Genome position (GRCh38, 1-based): chr6:152,461,624, C>G on the plus strand (G>C on the coding strand, the complement: SYNE1 is on the minus strand). VCF-style: chr6-152461624-C-G. GRCh37 (hg19) VCF-style: chr6-152782759-C-G.
Other names: c.2388G>C, p.Met796Ile (NM_033071.5); short protein forms M789I, M796I.
Identifiers: ClinVar variation 2037628 (VCV002037628.4), dbSNP rs2503169752, ClinGen allele CA366120513.
Genomic context (GRCh38, chr6:152,461,624, plus strand): 5'-CACAGCCTATTGTGCATTAAATTATTTTCGCACCTTGGTTAGCTGCTCTTTGAGCTTTGA[C>G]ATGGTCGCAAACATTTCTTTTCCTTCTTCTTGGGGGCTTTCTTTGGTAATGAGGTGTGCT-3'
Protein context (NP_892006.3, residues 779-799): QEEGKEMFAT[Met789Ile]SKLKEQLTKV

ClinVar aggregate classification (germline): Uncertain significance (1 of 4 stars; one submission).

Conditions:
Emery-Dreifuss muscular dystrophy 4, autosomal dominant (EDMD4). Also called: EMERY-DREIFUSS MUSCULAR DYSTROPHY 4 WITH VARIABLE FEATURES. Identifiers: Orphanet 261, MedGen C2751807, MONDO:0013071, OMIM 612998.
Autosomal recessive ataxia, Beauce type. Also called: SYNE1 Deficiency; Spinocerebellar ataxia, autosomal recessive 8; ATAXIA, RECESSIVE, OF BEAUCE; SYNE1-Related Autosomal Recessive Cerebellar Ataxia. Identifiers: Orphanet 88644, MedGen C1853116, MONDO:0012549, OMIM 610743.

Submission:

Labcorp Genetics (formerly Invitae), Labcorp
Classification: Uncertain significance for Emery-Dreifuss muscular dystrophy 4, autosomal dominant; Autosomal recessive ataxia, Beauce type. Last evaluated: 2021-12-08. Review status: criteria provided, single submitter. Criteria: Invitae Variant Classification Sherloc (09022015). Collection method: clinical testing. Allele origin: germline.
Comment: This sequence change replaces methionine, which is neutral and non-polar, with isoleucine, which is neutral and non-polar, at codon 796 of the SYNE1 protein (p.Met796Ile). This variant is not present in population databases (gnomAD no frequency). This variant has not been reported in the literature in individuals affected with SYNE1-related conditions. Algorithms developed to predict the effect of missense changes on protein structure and function (SIFT, PolyPhen-2, Align-GVGD) all suggest that this variant is likely to be tolerated. In summary, the available evidence is currently insufficient to determine the role of this variant in disease. Therefore, it has been classified as a Variant of Uncertain Significance.